The following is an entry in ClinVar:

ClinVar aggregate classification (germline): Pathogenic (1 of 4 stars; one submission).

Conditions:
Ataxia-telangiectasia syndrome (AT). Also called: Ataxia-telangiectasia, complementation group D; ATAXIA-TELANGIECTASIA, COMPLEMENTATION GROUP A; ATAXIA-TELANGIECTASIA, FRESNO VARIANT; Ataxia-telangiectasia, complementation group E; Cerebello-oculocutaneous telangiectasia; Immunodeficiency with ataxia telangiectasia. Identifiers: Orphanet 100, MedGen C0004135, MONDO:0008840, OMIM 208900.

Submission:

Labcorp Genetics (formerly Invitae), Labcorp
Classification: Pathogenic for Ataxia-telangiectasia syndrome. Last evaluated: 2021-04-12. Review status: criteria provided, single submitter. Criteria: Invitae Variant Classification Sherloc (09022015). Collection method: clinical testing. Allele origin: germline.
Comment: For these reasons, this variant has been classified as Pathogenic. This variant has not been reported in the literature in individuals with ATM-related conditions. This variant is a gross deletion of the genomic region encompassing exon(s) 2-31 of the ATM gene, which includes the initiator codon. The 5' end of this event is unknown as it extends beyond the assayed region for this gene and therefore may encompass additional genes. The 3' boundary is likely confined to intron 31 of the ATM gene. It is expected to result in an absent or disrupted protein product. Loss-of-function variants in ATM are known to be pathogenic (PMID: 23807571, 25614872).

Literature cited by the submitters: PubMed 23807571; PubMed 25614872.

NC_000011.9:g.(?_108098352)_(108164214_?)del

Gene: ATM (ATM serine/threonine kinase; plus strand). Cytogenetic location: 11q22.3.
Variant type: Deletion.
Identifiers: ClinVar variation 1350347 (VCV001350347.4).